The following is an entry in ClinVar:

NM_198965.2(PTHLH):c.12_29del (p.Arg4_Trp9del)

Gene: PTHLH (parathyroid hormone like hormone; minus strand). Cytogenetic location: 12p11.22.
Variant type: Deletion.
Coding change: c.12_29del on transcript NM_198965.2 (MANE Select); coding-DNA positions 12 to 29, 18 bases deleted (ACTGGTTCAGCAGTGGAG).
Protein change: p.Arg4_Trp9del.
Molecular consequence: inframe deletion.
Genome position (GRCh38, 1-based): chr12:27,969,466-27,969,483, CTCCACTGCTGAACCAGT deleted on the plus strand (ACTGGTTCAGCAGTGGAG on the coding strand, the reverse complement: PTHLH is on the minus strand); deleting any 18 consecutive bases within chr12:27,969,466-27,969,487 gives the same sequence; the c. name uses the placement nearest the transcript's 3' end. VCF-style (leftmost placement, unchanged base first): chr12-27969465-GCTCCACTGCTGAACCAGT-G. GRCh37 (hg19) VCF-style: chr12-28122398-GCTCCACTGCTGAACCAGT-G.
Other names: c.12_29del, p.Arg4_Trp9del (NM_002820.3, NM_198964.2, NM_198966.2).
Identifiers: ClinVar variation 4728591 (VCV004728591.1).

ClinVar aggregate classification (germline): Uncertain significance (1 of 4 stars; one submission).

Submission:

Labcorp Genetics (formerly Invitae), Labcorp
Classification: Uncertain significance. Last evaluated: 2025-10-07. Review status: criteria provided, single submitter. Criteria: Invitae Variant Classification Sherloc (09022015). Collection method: clinical testing. Allele origin: germline.
Comment: This variant, c.12_29del, results in the deletion of 6 amino acid(s) of the PTHLH protein (p.Arg4_Trp9del), but otherwise preserves the integrity of the reading frame. This variant is not present in population databases (gnomAD no frequency). This variant has not been reported in the literature in individuals affected with PTHLH-related conditions. Experimental studies and prediction algorithms are not available or were not evaluated, and the functional significance of this variant is currently unknown. In summary, the available evidence is currently insufficient to determine the role of this variant in disease. Therefore, it has been classified as a Variant of Uncertain Significance.